The following is an entry in ClinVar:

ClinVar aggregate classification (germline): Uncertain significance (1 of 4 stars; one submission).

Conditions:
Familial hemiplegic migraine. Identifiers: MedGen C0338484, MONDO:0000700.

Allele frequency attached by ClinVar (database versions not stated): TOPMed below 0.00001.

Submission:

Labcorp Genetics (formerly Invitae), Labcorp
Classification: Uncertain significance for Familial hemiplegic migraine. Last evaluated: 2022-08-16. Review status: criteria provided, single submitter. Criteria: Invitae Variant Classification Sherloc (09022015). Collection method: clinical testing. Allele origin: germline.
Comment: ClinVar contains an entry for this variant (Variation ID: 1460480). Advanced modeling of protein sequence and biophysical properties (such as structural, functional, and spatial information, amino acid conservation, physicochemical variation, residue mobility, and thermodynamic stability) performed at Invitae indicates that this missense variant is not expected to disrupt ATP1A2 protein function. Algorithms developed to predict the effect of sequence changes on RNA splicing suggest that this variant may create or strengthen a splice site. In summary, the available evidence is currently insufficient to determine the role of this variant in disease. Therefore, it has been classified as a Variant of Uncertain Significance. This variant has not been reported in the literature in individuals affected with ATP1A2-related conditions. This sequence change replaces phenylalanine, which is neutral and non-polar, with valine, which is neutral and non-polar, at codon 229 of the ATP1A2 protein (p.Phe229Val). This variant is not present in population databases (gnomAD no frequency).

NM_000702.4(ATP1A2):c.685T>G (p.Phe229Val)

Genes: ATP1A2 (ATPase Na+/K+ transporting subunit alpha 2; plus strand), LOC126805890 (CDK7 strongly-dependent group 2 enhancer GRCh37_chr1:160093987-160095186; plus strand). Cytogenetic location: 1q23.2.
Variant type: single nucleotide variant.
Coding change: c.685T>G on transcript NM_000702.4 (MANE Select); coding-DNA position 685, T replaced by G.
Protein change: p.Phe229Val; replaces phenylalanine 229 with valine.
Molecular consequence: missense variant.
Genome position (GRCh38, 1-based): chr1:160,125,190, T>G. VCF-style: chr1-160125190-T-G. GRCh37 (hg19) VCF-style: chr1-160094980-T-G.
Other names: short protein forms F229V.
Identifiers: ClinVar variation 1460480 (VCV001460480.8), dbSNP rs1651546645, ClinGen allele CA343235360.
Genomic context (GRCh38, chr1:160,125,190, plus strand): 5'-CCTCAGGTGGATAACTCATCCTTAACAGGAGAGTCGGAGCCCCAGACCCGCTCCCCCGAG[T>G]TCACCCATGAGAACCCCCTGGAGACCCGCAATATCTGTTTCTTCTCCACCAACTGTGTTG-3'
Protein context (NP_000693.1, residues 219-239): ESEPQTRSPE[Phe229Val]THENPLETRN